The following is an entry in ClinVar:

ClinVar aggregate classification (germline): Conflicting classifications of pathogenicity. Review status: criteria provided, conflicting classifications (1 of 4 stars). 9 submissions from 9 submitters: Uncertain significance (8); Likely benign (1). Last evaluated 2025-12-15.

Conditions:
Cardiovascular phenotype. Identifiers: MedGen CN230736.
Arrhythmogenic right ventricular dysplasia 10. Also called: Arrhythmogenic right ventricular dysplasia/cardiomyopathy, type 10; Arrhythmogenic Right Ventricular Dysplasia/Cardiomyopathy10; ARRHYTHMOGENIC RIGHT VENTRICULAR DYSPLASIA, FAMILIAL, 10. Identifiers: MedGen C1857777, MONDO:0012434, OMIM 610193.
Dilated cardiomyopathy 1BB (CMD1BB). Also called: CARDIOMYOPATHY, DILATED, 1BB, SUSCEPTIBILITY TO. Identifiers: Orphanet 154, MedGen C2752072, MONDO:0013030, OMIM 612877.
Arrhythmogenic right ventricular cardiomyopathy (ARVD). Also called: Cardiomyopathy, ARVC; Arrhythmogenic right ventricular dysplasia; Arrhythmogenic cardiomyopathy; Arrhythmogenic Right Ventricular Cardiomyopathy (ARVC). Identifiers: Orphanet 247, MedGen C0349788, MeSH D019571, MONDO:0016587. Disease mechanism: loss of function. Inheritance: Various modes of inheritance.
Cardiomyopathy (CMYO). Also called: Cardiomyopathies. Identifiers: Orphanet 167848, MedGen C0878544, MONDO:0004994, HP:0001638. Inheritance: Various modes of inheritance.
Primary dilated cardiomyopathy (DCM). Also called: Dilated Cardiomyopathy. Identifiers: Orphanet 217604, MedGen C0007193, MeSH D002311, MONDO:0005021, HP:0001644. Inheritance: Various modes of inheritance.

Allele frequency attached by ClinVar (database versions not stated): ExAC 0.00004; gnomAD 0.00004; gnomAD exomes 0.00006 and 0.00009.
gnomAD v4.1: 127 of 1,473,558 alleles (0.0086%); highest among the groups gnomAD compares: Non-Finnish European, 0.011%; no homozygotes.

Submissions (9):

Labcorp Genetics (formerly Invitae), Labcorp
Classification: Uncertain significance for Arrhythmogenic right ventricular dysplasia 10. Last evaluated: 2025-12-15. Review status: criteria provided, single submitter. Criteria: Invitae Variant Classification Sherloc (09022015). Collection method: clinical testing. Allele origin: germline.
Comment: This sequence change replaces phenylalanine, which is neutral and non-polar, with leucine, which is neutral and non-polar, at codon 776 of the DSG2 protein (p.Phe776Leu). This variant is present in population databases (rs771104668, gnomAD 0.009%). This variant has not been reported in the literature in individuals affected with DSG2-related conditions. ClinVar contains an entry for this variant (Variation ID: 410374). Invitae Evidence Modeling of protein sequence and biophysical properties (such as structural, functional, and spatial information, amino acid conservation, physicochemical variation, residue mobility, and thermodynamic stability) indicates that this missense variant is not expected to disrupt DSG2 protein function with a negative predictive value of 95%. In summary, the available evidence is currently insufficient to determine the role of this variant in disease. Therefore, it has been classified as a Variant of Uncertain Significance.

GeneDx
Classification: Uncertain significance. Last evaluated: 2024-08-19. Review status: criteria provided, single submitter. Criteria: GeneDx Variant Classification Process June 2021. Collection method: clinical testing. Allele origin: germline. Affected: yes.
Comment: Has not been previously published as pathogenic or benign to our knowledge; In silico analysis supports that this missense variant has a deleterious effect on protein structure/function

Color Diagnostics, LLC DBA Color Health
Classification: Uncertain significance for Cardiomyopathy. Last evaluated: 2024-06-05. Review status: criteria provided, single submitter. Criteria: ACMG Guidelines, 2015. Collection method: clinical testing. Allele origin: germline.
Comment: This missense variant replaces phenylalanine with leucine at codon 776 of the DSG2 protein. Computational prediction suggests that this variant may not impact protein structure and function. To our knowledge, functional studies have not been reported for this variant. This variant has not been reported in individuals affected with cardiovascular disorders in the literature. This variant has been identified in 12/224368 chromosomes in the general population by the Genome Aggregation Database (gnomAD). The available evidence is insufficient to determine the role of this variant in disease conclusively. Therefore, this variant is classified as a Variant of Uncertain Significance.

All of Us Research Program, National Institutes of Health
Classification: Uncertain significance for Arrhythmogenic right ventricular cardiomyopathy. Last evaluated: 2023-12-01. Review status: criteria provided, single submitter. Criteria: ACMG Guidelines, 2015. Collection method: clinical testing. Allele origin: germline. Inheritance: Autosomal dominant inheritance. Observed: 8 variant alleles, 8 heterozygotes.
Comment: This missense variant replaces phenylalanine with leucine at codon 776 of the DSG2 protein. Computational prediction suggests that this variant may not impact protein structure and function (internally defined REVEL score threshold <= 0.5, PMID: 27666373). To our knowledge, functional studies have not been reported for this variant. This variant has not been reported in individuals affected with cardiovascular disorders in the literature. This variant has been identified in 12/224368 chromosomes in the general population by the Genome Aggregation Database (gnomAD). The available evidence is insufficient to determine the role of this variant in disease conclusively. Therefore, this variant is classified as a Variant of Uncertain Significance.

This study involves interpretation of variants in research participants for the purpose of population health screening. Participant phenotype was not available at the time of variant classification. Additional details can be found in publication PMID: 35346344, PMCID: PMC8962531

Ambry Genetics
Classification: Uncertain significance for Cardiovascular phenotype. Last evaluated: 2023-10-27. Review status: criteria provided, single submitter. Criteria: Ambry Variant Classification Scheme 2023. Collection method: clinical testing. Allele origin: germline.
Comment: The p.F776L variant (also known as c.2328C>A), located in coding exon 14 of the DSG2 gene, results from a C to A substitution at nucleotide position 2328. The phenylalanine at codon 776 is replaced by leucine, an amino acid with highly similar properties. This amino acid position is well conserved in available vertebrate species. In addition, this alteration is predicted to be tolerated by in silico analysis. Since supporting evidence is limited at this time, the clinical significance of this alteration remains unclear.

Women's Health and Genetics/Laboratory Corporation of America, LabCorp
Classification: Likely benign. Last evaluated: 2023-05-18. Review status: criteria provided, single submitter. Criteria: LabCorp Variant Classification Summary - May 2015. Collection method: clinical testing. Allele origin: germline.
Comment: Variant summary: DSG2 c.2328C>A (p.Phe776Leu) results in a non-conservative amino acid change in the encoded protein sequence. Four of five in-silico tools predict a damaging effect of the variant on protein function. The variant allele was found at a frequency of 5.7e-05 in 193924 control chromosomes. The observed variant frequency is approximately 2 fold of the estimated maximal expected allele frequency for a pathogenic variant in DSG2 causing Cardiomyopathy phenotype (2.5e-05), strongly suggesting that the variant is benign. To our knowledge, no occurrence of c.2328C>A in individuals affected with Cardiomyopathy and no experimental evidence demonstrating its impact on protein function have been reported. Six clinical diagnostic laboratories have submitted clinical-significance assessments for this variant to ClinVar after 2014 without evidence for independent evaluation. All laboratories classified the variant as uncertain significance. Based on the evidence outlined above, the variant was classified as likely benign.

Fulgent Genetics
Classification: Uncertain significance for Arrhythmogenic right ventricular dysplasia 10; Dilated cardiomyopathy 1BB. Last evaluated: 2021-09-01. Review status: criteria provided, single submitter. Criteria: ACMG Guidelines, 2015. Collection method: clinical testing. Allele origin: unknown.

Victorian Clinical Genetics Services, Murdoch Childrens Research Institute
Classification: Uncertain significance for Dilated cardiomyopathy 1BB. Last evaluated: 2020-05-26. Review status: criteria provided, single submitter. Criteria: ACMG Guidelines, 2015. Collection method: clinical testing. Allele origin: germline. Affected: yes.
Comment: Based on the classification scheme VCGS_Germline_v1.1.1, this variant is classified as 3C-VUS. Following criteria are met: 0102 - Loss-of-function is a known mechanism of disease for this gene. (N) 0108 - This gene is known to be associated with both recessive and dominant disease. This gene is usually reported in association with autosomal dominant inheritance with reduced penetrance, however austosomal recessive inheritance has also been observed in more severe cases (OMIM). (N) 0112 - Variants in this gene are known to have reduced penetrance (OMIM). (N) 0200 - Variant is predicted to result in a missense amino acid change from phenylalanine to leucine (exon 14). (N) 0251 - Variant is heterozygous. (N) 0302 - Variant is present in gnomAD <0.001 for a dominant condition (12 heterozygotes, 0 homozygotes). (P) 0504 - Same amino acid change has been observed in mammals. (B) 0604 - Variant is not located in an established domain, motif, hotspot or informative constraint region. (N) 0705 - No comparable variants have previous evidence for pathogenicity. (N) 0804 - Variant has previously been described as variant of uncertain significance (ClinVar, Cardiomyopathy Database). (N) 0905 - No segregation evidence has been identified for this variant. (N) 1007 - No published functional evidence has been identified for this variant. (N) 1208 - Inheritance information for this variant is not currently available. (N) Legend: (P) - Pathogenic, (N) - Neutral, (B) - Benign

Center for Advanced Laboratory Medicine, UC San Diego Health, University of California San Diego
Classification: Uncertain significance for Dilated cardiomyopathy. Last evaluated: 2018-04-06. Review status: criteria provided, single submitter. Criteria: ACMG Guidelines, 2015. Collection method: clinical testing. Allele origin: germline. Affected: yes. Observed: 1 variant allele.

NM_001943.5(DSG2):c.2328C>A (p.Phe776Leu)

Genes: DSG2 (desmoglein 2; plus strand), DSG2-AS1 (DSG2 antisense RNA 1; minus strand). Cytogenetic location: 18q12.1.
Variant type: single nucleotide variant.
Coding change: c.2328C>A on transcript NM_001943.5 (MANE Select); coding-DNA position 2328, C replaced by A.
Protein change: p.Phe776Leu; replaces phenylalanine 776 with leucine.
Molecular consequence: missense variant.
Genome position (GRCh38, 1-based): chr18:31,542,846, C>A. VCF-style: chr18-31542846-C-A. GRCh37 (hg19) VCF-style: chr18-29122809-C-A.
Other names: c.2328C>A (LRG_397t1); short protein forms F776L.
Identifiers: ClinVar variation 410374 (VCV000410374.23), dbSNP rs771104668, ClinGen allele CA045495.